The following is an entry in ClinVar:

NM_000038.6(APC):c.7479A>T (p.Leu2493=)

Gene: APC (APC regulator of Wnt signaling pathway; plus strand). Cytogenetic location: 5q22.2.
Variant type: single nucleotide variant.
Coding change: c.7479A>T on transcript NM_000038.6 (MANE Select); coding-DNA position 7479, A replaced by T.
Protein change: p.Leu2493=; no amino-acid change (leucine 2493 retained).
Molecular consequence: synonymous variant. On other transcripts: non-coding transcript variant (2).
Genome position (GRCh38, 1-based): chr5:112,843,073, A>T. VCF-style: chr5-112843073-A-T. GRCh37 (hg19) VCF-style: chr5-112178770-A-T.
Other names: c.7479A>T, p.Leu2493= (NM_001127510.3, NM_001354895.2, NM_001407450.1); c.7425A>T, p.Leu2475= (NM_001127511.3); c.7533A>T, p.Leu2511= (NM_001354896.2, NM_001407447.1, NM_001407448.1 and 1 more transcripts); c.7509A>T, p.Leu2503= (NM_001354897.2); c.7404A>T, p.Leu2468= (NM_001354898.2); c.7395A>T, p.Leu2465= (NM_001354899.2); c.7356A>T, p.Leu2452= (NM_001354900.2); c.7302A>T, p.Leu2434= (NM_001354901.2, NM_001407453.1); and 11 more.
Identifiers: ClinVar variation 1759078 (VCV001759078.8), dbSNP rs775954189, ClinGen allele CA446210803.

ClinVar aggregate classification (germline): Benign/Likely benign. Review status: criteria provided, multiple submitters, no conflicts (2 of 4 stars). 3 submissions from 3 submitters: Benign (1); Likely benign (2). Last evaluated 2024-07-30.

Conditions:
Hereditary cancer-predisposing syndrome. Also called: Neoplastic Syndromes, Hereditary; Tumor predisposition; Hereditary Cancer Syndrome; Hereditary neoplastic syndrome. Identifiers: Orphanet 140162, MedGen C0027672, MeSH D009386, MONDO:0015356.
Familial adenomatous polyposis 1 (FAP1). Also called: FAMILIAL ADENOMATOUS POLYPOSIS 1, ATTENUATED; POLYPOSIS, ADENOMATOUS INTESTINAL. Identifiers: MedGen C2713442, MONDO:0021056, OMIM 175100. Disease mechanism: loss of function.

Submissions (3):

Labcorp Genetics (formerly Invitae), Labcorp
Classification: Likely benign for Familial adenomatous polyposis 1. Last evaluated: 2024-07-30. Review status: criteria provided, single submitter. Criteria: Invitae Variant Classification Sherloc (09022015). Collection method: clinical testing. Allele origin: germline.

Myriad Genetics, Inc.
Classification: Benign for Familial adenomatous polyposis 1. Last evaluated: 2024-04-09. Review status: criteria provided, single submitter. Criteria: Myriad Autosomal Dominant, Autosomal Recessive and X-Linked Classification Criteria (2023). Collection method: clinical testing. Allele origin: unknown.
Comment: This variant is considered benign. This variant is a silent/synonymous amino acid change and it is not expected to impact splicing.

Ambry Genetics
Classification: Likely benign for Hereditary cancer-predisposing syndrome. Last evaluated: 2020-02-11. Review status: criteria provided, single submitter. Criteria: Ambry Variant Classification Scheme 2023. Collection method: clinical testing. Allele origin: germline.